The following is an entry in ClinVar:

NM_012469.4(PRPF6):c.615+11A>G

Gene: PRPF6 (pre-mRNA processing factor 6; plus strand). Cytogenetic location: 20q13.33.
Variant type: single nucleotide variant.
Coding change: c.615+11A>G on transcript NM_012469.4 (MANE Select); 11 bases into the intron after coding-DNA position 615, A replaced by G.
Molecular consequence: intron variant.
Genome position (GRCh38, 1-based): chr20:63,995,103, A>G. VCF-style: chr20-63995103-A-G. GRCh37 (hg19) VCF-style: chr20-62626456-A-G.
Identifiers: ClinVar variation 895337 (VCV000895337.13), dbSNP rs6011250, ClinGen allele CA9971942.
Genomic context (GRCh38, chr20:63,995,103, plus strand): 5'-AACATTTACAGACCGGAGAGAACCATACCTCAGTGGATCCCCGACAAACTGTGAGCTTCC[A>G]AAAAAGGGCACATGTGGCCCATTTAGTCCTGTTAGATCAGTGGCAGGAATGGTGGGTGGT-3'

ClinVar aggregate classification (germline): Benign/Likely benign. Review status: criteria provided, multiple submitters, no conflicts (2 of 4 stars). 3 submissions from 3 submitters: Benign (2); Likely benign (1). Last evaluated 2026-02-01.

Conditions:
Retinitis pigmentosa (RP). Identifiers: Orphanet 791, MedGen C0035334, MeSH D012174, MONDO:0019200, OMIM 268000. Inheritance: Autosomal dominant, autosomal recessive and X linked inheritance.

Allele frequency attached by ClinVar (database versions not stated): gnomAD exomes 0.00030 and 0.00077; ExAC 0.00083; 1000 Genomes Project 0.00220; 1000 Genomes Project 30x 0.00234; gnomAD 0.00267 and 0.00286; TOPMed 0.00312; ESP Exome Variant Server 0.00315.
gnomAD v4.1: 839 of 1,614,000 alleles (0.052%); highest among the groups gnomAD compares: African/African-American, 0.92%; 6 homozygotes.

Submissions (3):

Labcorp Genetics (formerly Invitae), Labcorp
Classification: Benign. Last evaluated: 2026-02-01. Review status: criteria provided, single submitter. Criteria: Invitae Variant Classification Sherloc (09022015). Collection method: clinical testing. Allele origin: germline.

Blueprint Genetics
Classification: Likely benign. Last evaluated: 2024-10-08. Review status: criteria provided, single submitter. Criteria: ACMG Guidelines, 2015. Collection method: clinical testing. Allele origin: germline.

Illumina Laboratory Services, Illumina
Classification: Benign for Retinitis pigmentosa. Last evaluated: 2018-01-12. Review status: criteria provided, single submitter. Criteria: ICSL Variant Classification Criteria 13 December 2019. Collection method: clinical testing. Allele origin: germline.
Comment: This variant was observed in the ICSL laboratory as part of a predisposition screen in an ostensibly healthy population. It had not been previously curated by ICSL or reported in the Human Gene Mutation Database (HGMD: prior to June 1st, 2018), and was therefore a candidate for classification through an automated scoring system. Utilizing variant allele frequency, disease prevalence and penetrance estimates, and inheritance mode, an automated score was calculated to assess if this variant is too frequent to cause the disease. Based on the score and internal cut-off values, a variant classified as benign is not then subjected to further curation. The score for this variant resulted in a classification of benign for this disease.